The following is an entry in ClinVar:

NM_014727.3(KMT2B):c.4545C>A (p.Tyr1515Ter)

Gene: KMT2B (lysine methyltransferase 2B; plus strand). Cytogenetic location: 19q13.12.
Variant type: single nucleotide variant.
Coding change: c.4545C>A on transcript NM_014727.3 (MANE Select); coding-DNA position 4545, C replaced by A.
Protein change: p.Tyr1515Ter; replaces tyrosine 1515 with a stop codon.
Molecular consequence: nonsense.
Genome position (GRCh38, 1-based): chr19:35,728,145, C>A. VCF-style: chr19-35728145-C-A. GRCh37 (hg19) VCF-style: chr19-36219046-C-A.
Other names: NM_014727.2:n.4545C>A(p.Tyr1515Ter); short protein forms Y1515*.
Identifiers: ClinVar variation 374876 (VCV000374876.3), dbSNP rs1057519284, ClinGen allele CA16043952.

ClinVar aggregate classification (germline): Likely pathogenic. Review status: criteria provided, single submitter (1 of 4 stars). 3 submissions from 3 submitters: Likely pathogenic (1). 2 of the submissions do not count toward it. Last evaluated 2018-04-16.

Conditions:
Dystonia 28, childhood-onset (DYT28). Also called: KMT2B-Related Dystonia (DYT-KMT2B). Identifiers: Orphanet 589618, MedGen C4310633, MONDO:0015004, OMIM 617284.

Submissions (3):

SIB Swiss Institute of Bioinformatics
Classification: Likely pathogenic for Dystonia 28, childhood-onset. Last evaluated: 2018-04-16. Review status: criteria provided, single submitter. Criteria: ACMG Guidelines, 2015. Collection method: curation. Allele origin: germline.
Comment: This variant is interpreted as a Likely Pathogenic, for Dystonia 28, childhood-onset, Autosomal Dominant inheritance. The following ACMG Tag(s) were applied: PM2 => Absent from controls (or at extremely low frequency if recessive) in Exome Sequencing Project, 1000 Genomes Project, or Exome Aggregation Consortium. PVS1-Strong => PVS1 downgraded in strength to Strong. PM6 => Assumed de novo, but without confirmation of paternity and maternity (PMID:27992417).

OMIM
Classification: Pathogenic for DYSTONIA 28, CHILDHOOD-ONSET. Last evaluated: 2017-02-01. Review status: no assertion criteria provided. Collection method: literature only. Allele origin: germline. Not counted in ClinVar's aggregate classification.

Joint Genome Diagnostic Labs from Nijmegen and Maastricht, Radboudumc and MUMC+
Classification: Pathogenic. Review status: no assertion criteria provided. Collection method: clinical testing. Allele origin: germline. Affected: yes. Not counted in ClinVar's aggregate classification.

Literature cited by the submitters: PubMed 27992417 (cited by SIB Swiss Institute of Bioinformatics and OMIM).